The following is an entry in ClinVar:

NM_003560.4(PLA2G6):c.2378G>T (p.Arg793Leu)

Gene: PLA2G6 (phospholipase A2 group VI; minus strand). Cytogenetic location: 22q13.1.
Variant type: single nucleotide variant.
Coding change: c.2378G>T on transcript NM_003560.4 (MANE Select); coding-DNA position 2378, G replaced by T.
Protein change: p.Arg793Leu; replaces arginine 793 with leucine.
Molecular consequence: missense variant.
Genome position (GRCh38, 1-based): chr22:38,112,204, C>A on the plus strand (G>T on the coding strand, the complement: PLA2G6 is on the minus strand). VCF-style: chr22-38112204-C-A. GRCh37 (hg19) VCF-style: chr22-38508211-C-A.
Other names: c.2216G>T, p.Arg739Leu (NM_001004426.3, NM_001199562.3, NM_001349865.2 and 1 more transcripts); c.2378G>T, p.Arg793Leu (NM_001349864.2); c.1844G>T, p.Arg615Leu (NM_001349867.2); c.1700G>T, p.Arg567Leu (NM_001349868.2); c.1682G>T, p.Arg561Leu (NM_001349869.2); short protein forms R739L, R567L, R615L, R561L, R793L.
Identifiers: ClinVar variation 4985426 (VCV004985426.1).

ClinVar aggregate classification (germline): Uncertain significance (1 of 4 stars; one submission).

Conditions:
PLA2G6-related disorder. Also called: PLA2G6-related condition.

gnomAD v4.1: 29 of 1,607,194 alleles (0.0018%); highest among the groups gnomAD compares: South Asian, 0.029%; no homozygotes.

Submission:

PreventionGenetics, part of Exact Sciences
Classification: Uncertain significance for PLA2G6-related condition. Last evaluated: 2025-09-08. Review status: criteria provided, single submitter. Criteria: ACMG Guidelines, 2015. Collection method: clinical testing. Allele origin: germline.
Comment: The PLA2G6 c.2378G>T variant is predicted to result in the amino acid substitution p.Arg793Leu. This variant has been reported in the heterozygous state in a study of individuals with Parkinson disease (Reported as p.R739L, Supplemental Table 3, Kumar et al. 2020. PubMed ID: 32707456). This variant is reported in 0.035% of alleles in individuals of South Asian descent in gnomAD. At this time, the clinical significance of this variant is uncertain due to the absence of conclusive functional and genetic evidence.